The following is an entry in ClinVar:

NM_001330.5(CTF1):c.296C>T (p.Pro99Leu)

Genes: CTF1 (cardiotrophin 1; plus strand), LOC130058878 (ATAC-STARR-seq lymphoblastoid silent region 7400; plus strand). Cytogenetic location: 16p11.2.
Variant type: single nucleotide variant.
Coding change: c.296C>T on transcript NM_001330.5 (MANE Select); coding-DNA position 296, C replaced by T.
Protein change: p.Pro99Leu; replaces proline 99 with leucine.
Molecular consequence: missense variant. On other transcripts: non-coding transcript variant (1).
Genome position (GRCh38, 1-based): chr16:30,902,229, C>T. VCF-style: chr16-30902229-C-T. GRCh37 (hg19) VCF-style: chr16-30913550-C-T.
Other names: c.293C>T, p.Pro98Leu (NM_001142544.3); short protein forms P98L, P99L.
Identifiers: ClinVar variation 3078609 (VCV003078609.2), dbSNP rs2055407962, ClinGen allele CA395618747.

ClinVar aggregate classification (germline): Uncertain significance. Review status: criteria provided, multiple submitters, no conflicts (2 of 4 stars). 2 submissions from 2 submitters: Uncertain significance (2). Last evaluated 2025-03-18.

Allele frequency attached by ClinVar (database versions not stated): gnomAD 0.00001.

Submissions (2):

Labcorp Genetics (formerly Invitae), Labcorp
Classification: Uncertain significance. Last evaluated: 2025-03-18. Review status: criteria provided, single submitter. Criteria: Invitae Variant Classification Sherloc (09022015). Collection method: clinical testing. Allele origin: germline.
Comment: This sequence change replaces proline, which is neutral and non-polar, with leucine, which is neutral and non-polar, at codon 99 of the CTF1 protein (p.Pro99Leu). The frequency data for this variant in the population databases is considered unreliable, as metrics indicate insufficient coverage at this position in the gnomAD database. This variant has not been reported in the literature in individuals affected with CTF1-related conditions. ClinVar contains an entry for this variant (Variation ID: 3078609). An algorithm developed to predict the effect of missense changes on protein structure and function (PolyPhen-2) suggests that this variant is likely to be tolerated. In summary, the available evidence is currently insufficient to determine the role of this variant in disease. Therefore, it has been classified as a Variant of Uncertain Significance.

Ambry Genetics
Classification: Uncertain significance. Last evaluated: 2023-12-15. Review status: criteria provided, single submitter. Criteria: Ambry Variant Classification Scheme 2023. Collection method: clinical testing. Allele origin: germline.